The following is an entry in ClinVar:

ClinVar aggregate classification (germline): Uncertain significance (1 of 4 stars; one submission).

Submission:

GeneDx
Classification: Uncertain significance. Last evaluated: 2024-02-13. Review status: criteria provided, single submitter. Criteria: GeneDx Variant Classification Process June 2021. Collection method: clinical testing. Allele origin: germline. Affected: yes.
Comment: Not observed at significant frequency in large population cohorts (gnomAD); In-silico analysis is inconclusive as to whether the variant impacts protein structure/function. In the absence of functional studies, the actual effect of this sequence change is unknown.; Has not been previously published as pathogenic or benign to our knowledge

NM_001372044.2(SHANK3):c.3647C>A (p.Pro1216His)

Gene: SHANK3 (SH3 and multiple ankyrin repeat domains 3; plus strand). Cytogenetic location: 22q13.33.
Variant type: single nucleotide variant.
Coding change: c.3647C>A on transcript NM_001372044.2 (MANE Select); coding-DNA position 3647, C replaced by A.
Protein change: p.Pro1216His; replaces proline 1216 with histidine.
Molecular consequence: missense variant.
Genome position (GRCh38, 1-based): chr22:50,721,255, C>A. VCF-style: chr22-50721255-C-A. GRCh37 (hg19) VCF-style: chr22-51159683-C-A.
Other names: c.3422C>A (NM_033517.1); short protein forms P1216H.
Identifiers: ClinVar variation 3369236 (VCV003369236.1).